The following is an entry in ClinVar:

NM_016239.4(MYO15A):c.9796G>A (p.Val3266Met)

Gene: MYO15A (myosin XVA; plus strand). Cytogenetic location: 17p11.2.
Variant type: single nucleotide variant.
Coding change: c.9796G>A on transcript NM_016239.4 (MANE Select); coding-DNA position 9796, G replaced by A.
Protein change: p.Val3266Met; replaces valine 3266 with methionine.
Molecular consequence: missense variant.
Genome position (GRCh38, 1-based): chr17:18,166,369, G>A. VCF-style: chr17-18166369-G-A. GRCh37 (hg19) VCF-style: chr17-18069683-G-A.
Other names: short protein forms V3266M.
Identifiers: ClinVar variation 3390756 (VCV003390756.1).

ClinVar aggregate classification (germline): Uncertain significance (1 of 4 stars; one submission).

gnomAD v4.1: 3 of 1,613,170 alleles (0.00019%); highest among the groups gnomAD compares: South Asian, 0.0022%; no homozygotes.

Submission:

GeneDx
Classification: Uncertain significance. Last evaluated: 2024-06-11. Review status: criteria provided, single submitter. Criteria: GeneDx Variant Classification Process June 2021. Collection method: clinical testing. Allele origin: germline. Affected: yes.
Comment: Not observed at significant frequency in large population cohorts (gnomAD); In silico analysis indicates that this missense variant does not alter protein structure/function; Has not been previously published as pathogenic or benign to our knowledge